The following is an entry in ClinVar:

ClinVar aggregate classification (germline): Likely pathogenic (1 of 4 stars; one submission).

Conditions:
ELP1-Associated Medulloblastoma. Identifiers: MedGen C5670652.

Submission:

Institute for Genomic Medicine (IGM) Clinical Laboratory, Nationwide Children's Hospital
Classification: Likely pathogenic for ELP1-Associated Medulloblastoma. Last evaluated: 2025-05-19. Review status: criteria provided, single submitter. Criteria: ACMG Guidelines, 2015. Collection method: clinical testing. Allele origin: germline.
Comment: This variant is predicted to result in loss of function through nonsense-mediated decay of the encoded transcript or premature truncation of the encoded protein in a gene in which loss of function is a known mechanism of disease (ACMG/AMP: PVS1; PMIDs:32296180, 34687117). This variant is absent from or present at an exceedingly low frequency in gnomAD, a large-scale control population database (ACMG/AMP: PM2).

Literature cited by the submitters: PubMed 32296180; PubMed 34687117.

NM_003640.5(ELP1):c.1528G>T (p.Glu510Ter)

Gene: ELP1 (elongator acetyltransferase complex subunit 1; minus strand). Cytogenetic location: 9q31.3.
Variant type: single nucleotide variant.
Coding change: c.1528G>T on transcript NM_003640.5 (MANE Select); coding-DNA position 1528, G replaced by T.
Protein change: p.Glu510Ter; replaces glutamic acid 510 with a stop codon.
Molecular consequence: nonsense.
Genome position (GRCh38, 1-based): chr9:108,906,418, C>A on the plus strand (G>T on the coding strand, the complement: ELP1 is on the minus strand). VCF-style: chr9-108906418-C-A. GRCh37 (hg19) VCF-style: chr9-111668698-C-A.
Other names: c.1186G>T, p.Glu396Ter (NM_001318360.2); c.481G>T, p.Glu161Ter (NM_001330749.2); short protein forms E161*, E396*, E510*.
Identifiers: ClinVar variation 4759292 (VCV004759292.1).